The following is an entry in ClinVar:

ClinVar aggregate classification (germline): Uncertain significance (1 of 4 stars; one submission).

Conditions:
Glycine encephalopathy. Also called: Non-ketotic hyperglycinemia; Nonketotic hyperglycinemia. Identifiers: Orphanet 407, MedGen C0751748, MONDO:0011612, HP:0008288.

Allele frequency attached by ClinVar (database versions not stated): gnomAD exomes below 0.00001; TOPMed below 0.00001.
gnomAD v4.1: 1 of 1,614,154 alleles (0.000062%); highest among the groups gnomAD compares: Admixed American, 0.0017%; no homozygotes.

Submission:

Labcorp Genetics (formerly Invitae), Labcorp
Classification: Uncertain significance for Glycine encephalopathy. Last evaluated: 2022-05-20. Review status: criteria provided, single submitter. Criteria: Invitae Variant Classification Sherloc (09022015). Collection method: clinical testing. Allele origin: germline.
Comment: This variant is present in population databases (no rsID available, gnomAD 0.003%). This sequence change replaces glutamine, which is neutral and polar, with arginine, which is basic and polar, at codon 928 of the GLDC protein (p.Gln928Arg). This variant has not been reported in the literature in individuals affected with GLDC-related conditions. Advanced modeling of protein sequence and biophysical properties (such as structural, functional, and spatial information, amino acid conservation, physicochemical variation, residue mobility, and thermodynamic stability) performed at Invitae indicates that this missense variant is not expected to disrupt GLDC protein function. In summary, the available evidence is currently insufficient to determine the role of this variant in disease. Therefore, it has been classified as a Variant of Uncertain Significance.

NM_000170.3(GLDC):c.2783A>G (p.Gln928Arg)

Gene: GLDC (glycine decarboxylase; minus strand). Cytogenetic location: 9p24.1.
Variant type: single nucleotide variant.
Coding change: c.2783A>G on transcript NM_000170.3 (MANE Select); coding-DNA position 2783, A replaced by G.
Protein change: p.Gln928Arg; replaces glutamine 928 with arginine.
Molecular consequence: missense variant.
Genome position (GRCh38, 1-based): chr9:6,536,119, T>C on the plus strand (A>G on the coding strand, the complement: GLDC is on the minus strand). VCF-style: chr9-6536119-T-C. GRCh37 (hg19) VCF-style: chr9-6536119-T-C.
Other names: short protein forms Q928R.
Identifiers: ClinVar variation 1955369 (VCV001955369.5), dbSNP rs1373140994, ClinGen allele CA372882595.
Genomic context (GRCh38, chr9:6,536,119, plus strand): 5'-CGCACCTTCAGCGGATTGACCCTGGGGTCGATGCGGCCCTCCTCAATGTCAGCAATTTCC[T>C]GCCGAATGCTGATCATGGCATCACAGAATCTGTCCAGCTCTGCCTTGTCCTCCGACTCAG-3'
Protein context (NP_000161.2, residues 918-938): RFCDAMISIR[Gln928Arg]EIADIEEGRI